The following is an entry in ClinVar:

ClinVar aggregate classification (germline): Conflicting classifications of pathogenicity. Review status: criteria provided, conflicting classifications (1 of 4 stars). 4 submissions from 4 submitters: Uncertain significance (3); Likely benign (1). Last evaluated 2025-12-24.

Conditions:
Inborn genetic diseases. Identifiers: MedGen C0950123, MeSH D030342.

Allele frequency attached by ClinVar (database versions not stated): TOPMed 0.00005; gnomAD 0.00009 and 0.00010; ExAC 0.00019.

Submissions (4):

Labcorp Genetics (formerly Invitae), Labcorp
Classification: Uncertain significance. Last evaluated: 2025-12-24. Review status: criteria provided, single submitter. Criteria: Invitae Variant Classification Sherloc (09022015). Collection method: clinical testing. Allele origin: germline.
Comment: This sequence change replaces alanine, which is neutral and non-polar, with threonine, which is neutral and polar, at codon 401 of the PRDM13 protein (p.Ala401Thr). This variant is present in population databases (rs751190925, gnomAD 0.02%). This variant has not been reported in the literature in individuals affected with PRDM13-related conditions. ClinVar contains an entry for this variant (Variation ID: 426805). An algorithm developed to predict the effect of missense changes on protein structure and function (PolyPhen-2) suggests that this variant is likely to be tolerated. In summary, the available evidence is currently insufficient to determine the role of this variant in disease. Therefore, it has been classified as a Variant of Uncertain Significance.

Blueprint Genetics
Classification: Likely benign. Last evaluated: 2024-09-11. Review status: criteria provided, single submitter. Criteria: ACMG Guidelines, 2015. Collection method: clinical testing. Allele origin: germline.

Ambry Genetics
Classification: Uncertain significance for Inborn genetic diseases. Last evaluated: 2022-12-21. Review status: criteria provided, single submitter. Criteria: Ambry Variant Classification Scheme 2023. Collection method: clinical testing. Allele origin: germline.

GeneDx
Classification: Uncertain significance. Last evaluated: 2017-04-03. Review status: criteria provided, single submitter. Criteria: GeneDx Variant Classification (06012015). Collection method: clinical testing. Allele origin: germline. Affected: yes.
Comment: The A401T variant in the PRDM13 gene has not been reported previously as a pathogenic variant, nor as a benign variant, to our knowledge. The A401T variant is observed in 2/2698 (0.07%) alleles from individuals of European background, in large population cohorts (Lek et al., 2016; 1000 Genomes Consortium et al., 2015; Exome Variant Server). The A401T variant is a non-conservative amino acid substitution, which is likely to impact secondary protein structure as these residues differ in polarity, charge, size and/or other properties. This substitution occurs at a position that is conserved across species. However, in silico analysis is inconsistent in its predictions as to whether or not the variant is damaging to the protein structure/function. We interpret A401T as a variant of uncertain significance.

NM_021620.4(PRDM13):c.1201G>A (p.Ala401Thr)

Gene: PRDM13 (PR/SET domain 13; plus strand). Cytogenetic location: 6q16.2.
Variant type: single nucleotide variant.
Coding change: c.1201G>A on transcript NM_021620.4 (MANE Select); coding-DNA position 1201, G replaced by A.
Protein change: p.Ala401Thr; replaces alanine 401 with threonine.
Molecular consequence: missense variant.
Genome position (GRCh38, 1-based): chr6:99,613,836, G>A. VCF-style: chr6-99613836-G-A. GRCh37 (hg19) VCF-style: chr6-100061712-G-A.
Other names: short protein forms A401T.
Identifiers: ClinVar variation 426805 (VCV000426805.11), dbSNP rs751190925, ClinGen allele CA3936327.
Genomic context (GRCh38, chr6:99,613,836, plus strand): 5'-CCCTGCTCTGGGGCCCTGCGCGGCTTCCCTCTGCTCTCCGTCCCCCCGGAAGAGGCGTCC[G>A]CCTTCAAGCACGTGGAGCGCGCCCCGCCCGCAGCCGCCGCGCTGCCAGGAGCGCGTTATG-3'
Protein context (NP_067633.2, residues 391-411): LLSVPPEEAS[Ala401Thr]FKHVERAPPA